The following is an entry in ClinVar:

ClinVar aggregate classification (germline): Uncertain significance. Review status: criteria provided, multiple submitters, no conflicts (2 of 4 stars). 2 submissions from 2 submitters: Uncertain significance (2). Last evaluated 2024-04-19.

Conditions:
DICER1-related tumor predisposition. Also called: DICER1 syndrome; DICER1-related pleuropulmonary blastoma cancer predisposition syndrome. Identifiers: Orphanet 284343, MedGen C3839822, MONDO:0100216.
Hereditary cancer-predisposing syndrome. Also called: Hereditary Cancer Syndrome; Neoplastic Syndromes, Hereditary; Tumor predisposition; Hereditary neoplastic syndrome. Identifiers: Orphanet 140162, MedGen C0027672, MeSH D009386, MONDO:0015356.

Submissions (2):

Ambry Genetics
Classification: Uncertain significance for Hereditary cancer-predisposing syndrome. Last evaluated: 2024-04-19. Review status: criteria provided, single submitter. Criteria: Ambry Variant Classification Scheme 2023. Collection method: clinical testing. Allele origin: germline.
Comment: The p.T734I variant (also known as c.2201C>T), located in coding exon 13 of the DICER1 gene, results from a C to T substitution at nucleotide position 2201. The threonine at codon 734 is replaced by isoleucine, an amino acid with similar properties. This amino acid position is conserved. In addition, the in silico prediction for this alteration is inconclusive. Based on the available evidence, the clinical significance of this variant remains unclear.

Labcorp Genetics (formerly Invitae), Labcorp
Classification: Uncertain significance for DICER1-related tumor predisposition. Last evaluated: 2021-05-02. Review status: criteria provided, single submitter. Criteria: Invitae Variant Classification Sherloc (09022015). Collection method: clinical testing. Allele origin: germline.
Comment: In summary, the available evidence is currently insufficient to determine the role of this variant in disease. Therefore, it has been classified as a Variant of Uncertain Significance. Algorithms developed to predict the effect of missense changes on protein structure and function are either unavailable or do not agree on the potential impact of this missense change (SIFT: "Tolerated"; PolyPhen-2: "Probably Damaging"; Align-GVGD: "Class C0"). This variant has not been reported in the literature in individuals with DICER1-related conditions. This variant is not present in population databases (ExAC no frequency). This sequence change replaces threonine with isoleucine at codon 734 of the DICER1 protein (p.Thr734Ile). The threonine residue is highly conserved and there is a moderate physicochemical difference between threonine and isoleucine.

NM_177438.3(DICER1):c.2201C>T (p.Thr734Ile)

Gene: DICER1 (dicer 1, ribonuclease III; minus strand). Cytogenetic location: 14q32.13.
Variant type: single nucleotide variant.
Coding change: c.2201C>T on transcript NM_177438.3 (MANE Select); coding-DNA position 2201, C replaced by T.
Protein change: p.Thr734Ile; replaces threonine 734 with isoleucine.
Molecular consequence: missense variant.
Genome position (GRCh38, 1-based): chr14:95,111,372, G>A on the plus strand (C>T on the coding strand, the complement: DICER1 is on the minus strand). VCF-style: chr14-95111372-G-A. GRCh37 (hg19) VCF-style: chr14-95577709-G-A.
Other names: c.2201C>T, p.Thr734Ile (NM_001195573.1, NM_001271282.3, NM_001291628.2 and 1 more transcripts); c.2201C>T (NM_177438.2); short protein forms T734I.
Identifiers: ClinVar variation 1350677 (VCV001350677.10), dbSNP rs781312991, ClinGen allele CA390882621.